The following is an entry in ClinVar:

NM_025136.4(OPA3):c.362C>T (p.Ala121Val)

Genes: OPA3 (outer mitochondrial membrane lipid metabolism regulator OPA3; minus strand), OPA3-RTN2 (OPA3-RTN2 readthrough; minus strand). Cytogenetic location: 19q13.32.
Variant type: single nucleotide variant.
Coding change: c.362C>T on transcript NM_025136.4 (MANE Select); coding-DNA position 362, C replaced by T.
Protein change: p.Ala121Val; replaces alanine 121 with valine.
Molecular consequence: missense variant. On other transcripts: intron variant (1).
Genome position (GRCh38, 1-based): chr19:45,553,692, G>A on the plus strand (C>T on the coding strand, the complement: OPA3 is on the minus strand). VCF-style: chr19-45553692-G-A. GRCh37 (hg19) VCF-style: chr19-46056950-G-A.
Other names: c.362C>T (NM_025136.3); c.143-24236C>T (NM_001017989.3); short protein forms A121V.
Identifiers: ClinVar variation 2930268 (VCV002930268.5), dbSNP rs1223655386, ClinGen allele CA406370408.

ClinVar aggregate classification (germline): Uncertain significance. Review status: criteria provided, multiple submitters, no conflicts (2 of 4 stars). 3 submissions from 3 submitters: Uncertain significance (3). Last evaluated 2025-08-20.

Conditions:
Inborn genetic diseases. Identifiers: MedGen C0950123, MeSH D030342.
3-Methylglutaconic aciduria type 3 (MGCA3). Also called: OPA3, AUTOSOMAL RECESSIVE; OPTIC ATROPHY 3, AUTOSOMAL RECESSIVE; OPA3-Related 3-Methylglutaconic Aciduria; Costeff Syndrome. Identifiers: Orphanet 67047, MedGen C0574084, MONDO:0009787, OMIM 258501.
Optic atrophy 3 (OPA3). Also called: OPTIC ATROPHY 3, AUTOSOMAL DOMINANT; Optic atrophy, cataract, and neurologic disorder; Optic atrophy 3 with cataract. Identifiers: Orphanet 67036, MedGen C1833809, MONDO:0008133, OMIM 165300.

Allele frequency attached by ClinVar (database versions not stated): gnomAD exomes below 0.00001; gnomAD 0.00001; TOPMed 0.00001.
gnomAD v4.1: 6 of 1,606,426 alleles (0.00037%); highest among the groups gnomAD compares: Non-Finnish European, 0.00051%; no homozygotes.

Submissions (3):

Ambry Genetics
Classification: Uncertain significance for Inborn genetic diseases. Last evaluated: 2025-08-20. Review status: criteria provided, single submitter. Criteria: Ambry Variant Classification Scheme 2023. Collection method: clinical testing. Allele origin: germline.

Labcorp Genetics (formerly Invitae), Labcorp
Classification: Uncertain significance for 3-Methylglutaconic aciduria type 3; Optic atrophy 3. Last evaluated: 2024-09-28. Review status: criteria provided, single submitter. Criteria: Invitae Variant Classification Sherloc (09022015). Collection method: clinical testing. Allele origin: germline.
Comment: This sequence change replaces alanine, which is neutral and non-polar, with valine, which is neutral and non-polar, at codon 121 of the OPA3 protein (p.Ala121Val). The frequency data for this variant in the population databases is considered unreliable, as metrics indicate poor data quality at this position in the gnomAD database. This variant has not been reported in the literature in individuals affected with OPA3-related conditions. An algorithm developed to predict the effect of missense changes on protein structure and function (PolyPhen-2) suggests that this variant is likely to be disruptive. In summary, the available evidence is currently insufficient to determine the role of this variant in disease. Therefore, it has been classified as a Variant of Uncertain Significance.

Blueprint Genetics
Classification: Uncertain significance. Last evaluated: 2023-05-31. Review status: criteria provided, single submitter. Criteria: ACMG Guidelines, 2015. Collection method: clinical testing. Allele origin: germline.